The following is an entry in ClinVar:

ClinVar aggregate classification (germline): Likely benign (0 of 4 stars; one submission).

Conditions:
ZSWIM6-related disorder. Also called: ZSWIM6-related condition.

Allele frequency attached by ClinVar (database versions not stated): gnomAD exomes below 0.00001.
gnomAD v4.1: 3 of 1,548,314 alleles (0.00019%); highest among the groups gnomAD compares: South Asian, 0.0012%; no homozygotes.

Submission:

PreventionGenetics, part of Exact Sciences
Classification: Likely benign for ZSWIM6-related condition. Last evaluated: 2023-04-20. Review status: no assertion criteria provided. Collection method: clinical testing. Allele origin: germline.
Comment: This variant is classified as likely benign based on ACMG/AMP sequence variant interpretation guidelines (Richards et al. 2015 PMID: 25741868, with internal and published modifications).

NM_020928.2(ZSWIM6):c.720G>A (p.Ser240=)

Gene: ZSWIM6 (zinc finger SWIM-type containing 6; plus strand). Cytogenetic location: 5q12.1.
Variant type: single nucleotide variant.
Coding change: c.720G>A on transcript NM_020928.2 (MANE Select); coding-DNA position 720, G replaced by A.
Protein change: p.Ser240=; no amino-acid change (serine 240 retained).
Molecular consequence: synonymous variant.
Genome position (GRCh38, 1-based): chr5:61,472,724, G>A. VCF-style: chr5-61472724-G-A. GRCh37 (hg19) VCF-style: chr5-60768551-G-A.
Identifiers: ClinVar variation 3032633 (VCV003032633.2), dbSNP rs1747604370, ClinGen allele CA444674230.